The following is an entry in ClinVar:

NM_004360.5(CDH1):c.1085T>G (p.Val362Gly)

Gene: CDH1 (cadherin 1; plus strand). Cytogenetic location: 16q22.1.
Variant type: single nucleotide variant.
Coding change: c.1085T>G on transcript NM_004360.5 (MANE Select); coding-DNA position 1085, T replaced by G.
Protein change: p.Val362Gly; replaces valine 362 with glycine.
Molecular consequence: missense variant. On other transcripts: 5 prime UTR variant (2).
Genome position (GRCh38, 1-based): chr16:68,812,211, T>G. VCF-style: chr16-68812211-T-G. GRCh37 (hg19) VCF-style: chr16-68846114-T-G.
Other names: c.1085T>G, p.Val362Gly (NM_001317184.2); c.-531T>G (NM_001317185.2); c.-735T>G (NM_001317186.2); short protein forms V362G.
Identifiers: ClinVar variation 3265123 (VCV003265123.1).

ClinVar aggregate classification (germline): Uncertain significance (1 of 4 stars; one submission).

Conditions:
Hereditary cancer-predisposing syndrome. Also called: Hereditary Cancer Syndrome; Tumor predisposition; Hereditary neoplastic syndrome; Neoplastic Syndromes, Hereditary. Identifiers: Orphanet 140162, MedGen C0027672, MeSH D009386, MONDO:0015356.

Submission:

Ambry Genetics
Classification: Uncertain significance for Hereditary cancer-predisposing syndrome. Last evaluated: 2024-03-20. Review status: criteria provided, single submitter. Criteria: Ambry Variant Classification Scheme 2023. Collection method: clinical testing. Allele origin: germline.
Comment: The p.V362G variant (also known as c.1085T>G), located in coding exon 8 of the CDH1 gene, results from a T to G substitution at nucleotide position 1085. The valine at codon 362 is replaced by glycine, an amino acid with dissimilar properties. This amino acid position is not well conserved in available vertebrate species. In addition, the in silico prediction for this alteration is inconclusive. Based on the available evidence, the clinical significance of this alteration remains unclear.